The following is an entry in ClinVar:

ClinVar aggregate classification (germline): Pathogenic/Likely pathogenic. Review status: criteria provided, multiple submitters, no conflicts (2 of 4 stars). 6 submissions from 6 submitters: Pathogenic (1); Likely pathogenic (4). 1 of the submissions does not count toward it. Last evaluated 2025-09-10.

Conditions:
Agenesis of the corpus callosum with peripheral neuropathy (ACCPN). Also called: Hereditary Motor and Sensory Neuropathy with Agenesis of the Corpus Callosum; HMSN/ACC; POLYNEUROPATHY, SENSORIMOTOR, WITH OR WITHOUT AGENESIS OF THE CORPUS CALLOSUM; CHARLEVOIX DISEASE. Identifiers: Orphanet 1496, MedGen C0795950, MONDO:0000902, OMIM 218000. Disease mechanism: loss of function.
Charcot-Marie-Tooth disease, axonal, IIa 2II. Also called: Charcot-marie-tooth disease, axonal,IIa 2II; CHARCOT-MARIE-TOOTH NEUROPATHY, TYPE 2II; Charcot-Marie-Tooth disease, axonal, type 2II. Identifiers: MedGen C5774227, MONDO:0031068, OMIM 620068.
Usher syndrome type 1C. Also called: USHER SYNDROME, TYPE I, ACADIAN VARIETY. Identifiers: Orphanet 231169, Orphanet 886, MedGen C1848604, MONDO:0010171, OMIM 276904.

Allele frequency attached by ClinVar (database versions not stated): gnomAD exomes below 0.00001; TOPMed below 0.00001.
gnomAD v4.1: 4 of 1,483,314 alleles (0.00027%); highest among the groups gnomAD compares: Middle Eastern, 0.052%; no homozygotes.

Submissions (6):

Genomic Medicine Center of Excellence, King Faisal Specialist Hospital and Research Centre
Classification: Pathogenic for Usher syndrome type 1C. Last evaluated: 2025-09-10. Review status: criteria provided, single submitter. Criteria: ACMG Guidelines, 2015. Collection method: clinical testing. Allele origin: germline.

Fulgent Genetics
Classification: Likely pathogenic for Agenesis of the corpus callosum with peripheral neuropathy; Charcot-Marie-Tooth disease, axonal, IIa 2II. Last evaluated: 2024-05-10. Review status: criteria provided, single submitter. Criteria: ACMG Guidelines, 2015. Collection method: clinical testing. Allele origin: germline.

Baylor Genetics
Classification: Likely pathogenic for Agenesis of the corpus callosum with peripheral neuropathy. Last evaluated: 2024-03-02. Review status: criteria provided, single submitter. Criteria: ACMG Guidelines, 2015. Collection method: clinical testing. Allele origin: unknown.

Labcorp Genetics (formerly Invitae), Labcorp
Classification: Likely pathogenic. Last evaluated: 2024-01-04. Review status: criteria provided, single submitter. Criteria: Invitae Variant Classification Sherloc (09022015). Collection method: clinical testing. Allele origin: germline.
Comment: This sequence change affects a donor splice site in intron 2 of the SLC12A6 gene. It is expected to disrupt RNA splicing. Variants that disrupt the donor or acceptor splice site typically lead to a loss of protein function (PMID: 16199547), and loss-of-function variants in SLC12A6 are known to be pathogenic (PMID: 12368912, 16606917). This variant is not present in population databases (gnomAD no frequency). This variant has not been reported in the literature in individuals affected with SLC12A6-related conditions. ClinVar contains an entry for this variant (Variation ID: 941545). Algorithms developed to predict the effect of sequence changes on RNA splicing suggest that this variant may disrupt the consensus splice site. In summary, the currently available evidence indicates that the variant is pathogenic, but additional data are needed to prove that conclusively. Therefore, this variant has been classified as Likely Pathogenic.

Revvity Omics, Revvity
Classification: Likely pathogenic. Last evaluated: 2023-09-14. Review status: criteria provided, single submitter. Criteria: ACMG Guidelines, 2015. Collection method: clinical testing. Allele origin: germline.

Natera, Inc.
Classification: Likely pathogenic for Andermann syndrome. Last evaluated: 2020-03-03. Review status: no assertion criteria provided. Collection method: clinical testing. Allele origin: germline. Not counted in ClinVar's aggregate classification.

Literature cited by the submitters: PubMed 16199547 (cited by Labcorp Genetics (formerly Invitae), Labcorp); PubMed 12368912 (cited by Labcorp Genetics (formerly Invitae), Labcorp); PubMed 16606917 (cited by Labcorp Genetics (formerly Invitae), Labcorp).

NM_001365088.1(SLC12A6):c.316+1G>A

Gene: SLC12A6 (solute carrier family 12 member 6; minus strand). Cytogenetic location: 15q14.
Variant type: single nucleotide variant.
Coding change: c.316+1G>A on transcript NM_001365088.1 (MANE Select); the canonical splice donor site of the intron after coding-DNA position 316, G replaced by A.
Molecular consequence: splice donor variant. On other transcripts: genic downstream transcript variant (1).
Genome position (GRCh38, 1-based): chr15:34,275,344, C>T on the plus strand (G>A on the coding strand, the complement: SLC12A6 is on the minus strand). VCF-style: chr15-34275344-C-T. GRCh37 (hg19) VCF-style: chr15-34567545-C-T.
Other names: c.139+1G>A (NM_001042495.2, NM_001042494.2); c.289+1G>A (NM_001042496.2); c.272-14324G>A (NM_001042497.2); c.316+1G>A (NM_133647.2); c.163+1G>A (NM_005135.2).
Identifiers: ClinVar variation 941545 (VCV000941545.19), dbSNP rs1462170681, ClinGen allele CA391617038.